The following is an entry in ClinVar:

ClinVar aggregate classification (germline): Conflicting classifications of pathogenicity. Review status: criteria provided, conflicting classifications (1 of 4 stars). 2 submissions from 2 submitters: Uncertain significance (1); Likely benign (1). Last evaluated 2025-11-18.

Allele frequency attached by ClinVar (database versions not stated): gnomAD exomes below 0.00001; ExAC 0.00001; gnomAD 0.00001; TOPMed 0.00002.
gnomAD v4.1: 7 of 1,612,624 alleles (0.00043%); highest among the groups gnomAD compares: African/African-American, 0.0027%; no homozygotes.

Submissions (2):

Labcorp Genetics (formerly Invitae), Labcorp
Classification: Likely benign. Last evaluated: 2025-11-18. Review status: criteria provided, single submitter. Criteria: Invitae Variant Classification Sherloc (09022015). Collection method: clinical testing. Allele origin: germline.

GeneDx
Classification: Uncertain significance. Last evaluated: 2021-05-14. Review status: criteria provided, single submitter. Criteria: GeneDx Variant Classification Process June 2021. Collection method: clinical testing. Allele origin: germline. Affected: yes.
Comment: Has not been previously published as pathogenic or benign to our knowledge; Not observed at a significant frequency in large population cohorts (Lek et al., 2016); In-silico analysis, which includes splice predictors and evolutionary conservation, is inconclusive as to whether the variant alters gene splicing. In the absence of RNA/functional studies, the actual effect of this sequence change is unknown.

NM_001853.4(COL9A3):c.1009-12C>A

Gene: COL9A3 (collagen type IX alpha 3 chain; plus strand). Cytogenetic location: 20q13.33.
Variant type: single nucleotide variant.
Coding change: c.1009-12C>A on transcript NM_001853.4 (MANE Select); 12 bases into the intron before coding-DNA position 1009, C replaced by A.
Molecular consequence: intron variant.
Genome position (GRCh38, 1-based): chr20:62,829,443, C>A. VCF-style: chr20-62829443-C-A. GRCh37 (hg19) VCF-style: chr20-61460795-C-A.
Identifiers: ClinVar variation 1214385 (VCV001214385.11), dbSNP rs752646714, ClinGen allele CA9949689.
Genomic context (GRCh38, chr20:62,829,443, plus strand): 5'-TGCACGCCCCTGGGTGCTGCTGCCGGCGTGCAATGTAACTGGCAGCCCTGACCGCAAGCT[C>A]TCTCCTGGCAGGGCCTCCCTGGACGAGCGGGGTCCAAAGGCGAGAAGGGAGAACGGGTAT-3'